The following is an entry in ClinVar:

NM_006946.4(SPTBN2):c.901A>G (p.Met301Val)

Gene: SPTBN2 (spectrin beta, non-erythrocytic 2; minus strand). Cytogenetic location: 11q13.2.
Variant type: single nucleotide variant.
Coding change: c.901A>G on transcript NM_006946.4 (MANE Select); coding-DNA position 901, A replaced by G.
Protein change: p.Met301Val; replaces methionine 301 with valine.
Molecular consequence: missense variant.
Genome position (GRCh38, 1-based): chr11:66,710,754, T>C on the plus strand (A>G on the coding strand, the complement: SPTBN2 is on the minus strand). VCF-style: chr11-66710754-T-C. GRCh37 (hg19) VCF-style: chr11-66478225-T-C.
Other names: short protein forms M301V.
Identifiers: ClinVar variation 930938 (VCV000930938.4), dbSNP rs897181468, ClinGen allele CA381482543.

ClinVar aggregate classification (germline): Uncertain significance. Review status: criteria provided, multiple submitters, no conflicts (2 of 4 stars). 2 submissions from 2 submitters: Uncertain significance (2). Last evaluated 2024-03-18.

Conditions:
Inborn genetic diseases. Identifiers: MedGen C0950123, MeSH D030342.
Spinocerebellar ataxia type 5 (SCA5). Identifiers: Orphanet 98766, MedGen C0752123, MONDO:0010848, OMIM 600224.

Allele frequency attached by ClinVar (database versions not stated): TOPMed 0.00003.
gnomAD v4.1: 4 of 1,613,938 alleles (0.00025%); highest among the groups gnomAD compares: East Asian, 0.0067%; no homozygotes.

Submissions (2):

Ambry Genetics
Classification: Uncertain significance for Inborn genetic diseases. Last evaluated: 2024-03-18. Review status: criteria provided, single submitter. Criteria: Ambry Variant Classification Scheme 2023. Collection method: clinical testing. Allele origin: germline.

Centre for Mendelian Genomics, University Medical Centre Ljubljana
Classification: Uncertain significance for Spinocerebellar ataxia type 5. Last evaluated: 2020-03-15. Review status: criteria provided, single submitter. Criteria: ACMG Guidelines, 2015. Collection method: clinical testing. Allele origin: unknown. Affected: yes.
Comment: This variant was classified as: Uncertain significance. The available evidence on this variant's pathogenicity is insufficient or conflicting. The following ACMG criteria were applied in classifying this variant: PM2.